The following is an entry in ClinVar:

NM_020964.3(EPG5):c.6851C>G (p.Thr2284Arg)

Gene: EPG5 (ectopic P-granules 5 autophagy tethering factor; minus strand). Cytogenetic location: 18q12.3.
Variant type: single nucleotide variant.
Coding change: c.6851C>G on transcript NM_020964.3 (MANE Select); coding-DNA position 6851, C replaced by G.
Protein change: p.Thr2284Arg; replaces threonine 2284 with arginine.
Molecular consequence: missense variant.
Genome position (GRCh38, 1-based): chr18:45,860,262, G>C on the plus strand (C>G on the coding strand, the complement: EPG5 is on the minus strand). VCF-style: chr18-45860262-G-C. GRCh37 (hg19) VCF-style: chr18-43440227-G-C.
Other names: short protein forms T2284R.
Identifiers: ClinVar variation 1022475 (VCV001022475.7), dbSNP rs777908648, ClinGen allele CA8948130.
Genomic context (GRCh38, chr18:45,860,262, plus strand): 5'-ACCAGCCCATGCATTTTTTGGCCAATCCAGGTCCGGATACTGCCCCGAAGGAACTCTGCT[G>C]TTGGAATAGTCGCGTTGTTCATCATCATCAGGACTTCCATAAAGAGGCTGCTGAGGGCCA-3'
Protein context (NP_066015.2, residues 2274-2294): LMMMNNATIP[Thr2284Arg]AEFLRGSIRT

ClinVar aggregate classification (germline): Uncertain significance (1 of 4 stars; one submission).

Conditions:
Vici syndrome (VICIS). Identifiers: Orphanet 1493, MedGen C1855772, MONDO:0009452, OMIM 242840.

Allele frequency attached by ClinVar (database versions not stated): gnomAD 0.00001; TOPMed 0.00001.
gnomAD v4.1: 5 of 1,614,134 alleles (0.00031%); highest among the groups gnomAD compares: Admixed American, 0.0067%; no homozygotes.

Submission:

Labcorp Genetics (formerly Invitae), Labcorp
Classification: Uncertain significance for Vici syndrome. Last evaluated: 2024-10-29. Review status: criteria provided, single submitter. Criteria: Invitae Variant Classification Sherloc (09022015). Collection method: clinical testing. Allele origin: germline.
Comment: This sequence change replaces threonine, which is neutral and polar, with arginine, which is basic and polar, at codon 2284 of the EPG5 protein (p.Thr2284Arg). This variant is present in population databases (rs777908648, gnomAD 0.01%). This variant has not been reported in the literature in individuals affected with EPG5-related conditions. ClinVar contains an entry for this variant (Variation ID: 1022475). Invitae Evidence Modeling of protein sequence and biophysical properties (such as structural, functional, and spatial information, amino acid conservation, physicochemical variation, residue mobility, and thermodynamic stability) indicates that this missense variant is expected to disrupt EPG5 protein function with a positive predictive value of 80%. In summary, the available evidence is currently insufficient to determine the role of this variant in disease. Therefore, it has been classified as a Variant of Uncertain Significance.